The following is an entry in ClinVar:

ClinVar aggregate classification (germline): Likely benign (0 of 4 stars; one submission).

Conditions:
KRT10-related disorder. Also called: KRT10-related condition.

Allele frequency attached by ClinVar (database versions not stated): ExAC 0.00615.

Submission:

PreventionGenetics, part of Exact Sciences
Classification: Likely benign for KRT10-related condition. Last evaluated: 2020-07-02. Review status: no assertion criteria provided. Collection method: clinical testing. Allele origin: germline.
Comment: This variant is classified as likely benign based on ACMG/AMP sequence variant interpretation guidelines (Richards et al. 2015 PMID: 25741868, with internal and published modifications).

NM_000421.5(KRT10):c.1623C>A (p.Gly541=)

Gene: KRT10 (keratin 10; minus strand). Cytogenetic location: 17q21.2.
Variant type: single nucleotide variant.
Coding change: c.1623C>A on transcript NM_000421.5 (MANE Select); coding-DNA position 1623, C replaced by A.
Protein change: p.Gly541=; no amino-acid change (glycine 541 retained).
Molecular consequence: synonymous variant.
Genome position (GRCh38, 1-based): chr17:40,818,912, G>T on the plus strand (C>A on the coding strand, the complement: KRT10 is on the minus strand). VCF-style: chr17-40818912-G-T. GRCh37 (hg19) VCF-style: chr17-38975164-G-T.
Other names: c.1623C>A, p.Gly541= (NM_001379366.1).
Identifiers: ClinVar variation 3056687 (VCV003056687.2), dbSNP rs749819865, ClinGen allele CA8547947.